The following is an entry in ClinVar:

ClinVar aggregate classification (germline): Uncertain significance (1 of 4 stars; one submission).

Allele frequency attached by ClinVar (database versions not stated): ExAC 0.00014.
gnomAD v4.1: 1 of 1,443,450 alleles (0.000069%); highest among the groups gnomAD compares: South Asian, 0.0014%; no homozygotes.

Submission:

GeneDx
Classification: Uncertain significance. Last evaluated: 2019-07-24. Review status: criteria provided, single submitter. Criteria: GeneDx Variant Classification Process June 2021. Collection method: clinical testing. Allele origin: germline. Affected: yes.
Comment: Not observed at a significant frequency in large population cohorts (Lek et al., 2016); In silico analysis, which includes protein predictors and evolutionary conservation, supports a deleterious effect; Has not been previously published as pathogenic or benign to our knowledge

NM_001127222.2(CACNA1A):c.2938C>G (p.Arg980Gly)

Gene: CACNA1A (calcium voltage-gated channel subunit alpha1 A; minus strand). Cytogenetic location: 19p13.13.
Variant type: single nucleotide variant.
Coding change: c.2938C>G on transcript NM_001127222.2 (MANE Select); coding-DNA position 2938, C replaced by G.
Protein change: p.Arg980Gly; replaces arginine 980 with glycine.
Molecular consequence: missense variant.
Genome position (GRCh38, 1-based): chr19:13,298,695, G>C on the plus strand (C>G on the coding strand, the complement: CACNA1A is on the minus strand). VCF-style: chr19-13298695-G-C. GRCh37 (hg19) VCF-style: chr19-13409509-G-C.
Other names: c.2950C>G, p.Arg984Gly (NM_000068.4, NM_023035.3); c.2941C>G, p.Arg981Gly (NM_001127221.2, NM_001174080.2); short protein forms R980G, R981G, R984G.
Identifiers: ClinVar variation 1307267 (VCV001307267.2), dbSNP rs778978325, ClinGen allele CA9240448.